The following is an entry in ClinVar:

ClinVar aggregate classification (germline): Benign/Likely benign. Review status: criteria provided, multiple submitters, no conflicts (2 of 4 stars). 6 submissions from 6 submitters: Benign (2); Likely benign (4). Last evaluated 2026-09-01.

Conditions:
Polycystic kidney disease 3 with or without polycystic liver disease. Also called: POLYCYSTIC KIDNEY DISEASE, ADULT, TYPE III; Polycystic Kidney and/or Polycystic Liver Disease 3; Polycystic kidney disease 3. Identifiers: MedGen C3887964, MONDO:0010916, OMIM 600666.

Allele frequency attached by ClinVar (database versions not stated): 1000 Genomes Project 0.00180; 1000 Genomes Project 30x 0.00250; gnomAD exomes 0.00298; ExAC 0.00299; gnomAD 0.00318 and 0.00362; ESP Exome Variant Server 0.00338; TOPMed 0.00421.
gnomAD v4.1: 8,424 of 1,613,958 alleles (0.52%); highest among the groups gnomAD compares: Non-Finnish European, 0.64%; 30 homozygotes.

Submissions (6):

CeGaT Center for Human Genetics Tuebingen
Classification: Likely benign. Last evaluated: 2026-09-01. Review status: criteria provided, single submitter. Criteria: CeGaT Center For Human Genetics Tuebingen Variant Classification Criteria Version 2. Collection method: clinical testing. Allele origin: germline. Affected: yes. Observed: 5 variant alleles.
Comment: GANAB: BS2

Labcorp Genetics (formerly Invitae), Labcorp
Classification: Benign. Last evaluated: 2026-01-16. Review status: criteria provided, single submitter. Criteria: Invitae Variant Classification Sherloc (09022015). Collection method: clinical testing. Allele origin: germline.

Blueprint Genetics
Classification: Benign. Last evaluated: 2024-11-18. Review status: criteria provided, single submitter. Criteria: ACMG Guidelines, 2015. Collection method: clinical testing. Allele origin: germline.

Department of Pathology and Laboratory Medicine, Sinai Health System
Classification: Likely benign for Polycystic kidney disease 3 with or without polycystic liver disease. Last evaluated: 2022-08-26. Review status: criteria provided, single submitter. Criteria: ACMG Guidelines, 2015. Collection method: research. Allele origin: germline.

GeneDx
Classification: Likely benign. Last evaluated: 2021-01-11. Review status: criteria provided, single submitter. Criteria: GeneDx Variant Classification Process June 2021. Collection method: clinical testing. Allele origin: germline. Affected: yes.

Breakthrough Genomics
Classification: Likely benign. Review status: criteria provided, single submitter. Criteria: ACMG Guidelines, 2015. Collection method: not provided. Allele origin: germline. Inheritance: Autosomal dominant inheritance. Affected: yes.

NM_198334.3(GANAB):c.1185C>T (p.Gly395=)

Gene: GANAB (glucosidase II alpha subunit; minus strand). Cytogenetic location: 11q12.3.
Variant type: single nucleotide variant.
Coding change: c.1185C>T on transcript NM_198334.3 (MANE Select); coding-DNA position 1185, C replaced by T.
Protein change: p.Gly395=; no amino-acid change (glycine 395 retained).
Molecular consequence: synonymous variant.
Genome position (GRCh38, 1-based): chr11:62,630,802, G>A on the plus strand (C>T on the coding strand, the complement: GANAB is on the minus strand). VCF-style: chr11-62630802-G-A. GRCh37 (hg19) VCF-style: chr11-62398274-G-A.
Other names: c.909C>T, p.Gly303= (NM_001278192.2); c.843C>T, p.Gly281= (NM_001278193.2); c.894C>T, p.Gly298= (NM_001278194.2, NM_001329222.2, NM_001329223.2); c.462C>T, p.Gly154= (NM_001329224.2, NM_001329225.2); c.1251C>T, p.Gly417= (NM_198335.4).
Identifiers: ClinVar variation 777649 (VCV000777649.37), dbSNP rs113677430, ClinGen allele CA6050835.
Genomic context (GRCh38, chr11:62,630,802, plus strand): 5'-GCCCTGATCCACTTCCAGCACATCAGCCTCGTCCCGGTAGTTCCAACGGCTCTGGTGGTA[G>A]CCGAGGGAGAAGAGTGGGGGCAACGCCTGGGTTCCTGCAGGTTCATGAGGGATGGGGGTC-3'
Protein context (NP_938148.1, residues 385-405): TQALPPLFSL[Gly395=]YHQSRWNYRD